The following is an entry in ClinVar:

NM_000368.5(TSC1):c.1224C>T (p.His408=)

Gene: TSC1 (TSC complex subunit 1; minus strand). Cytogenetic location: 9q34.13.
Variant type: single nucleotide variant.
Coding change: c.1224C>T on transcript NM_000368.5 (MANE Select); coding-DNA position 1224, C replaced by T.
Protein change: p.His408=; no amino-acid change (histidine 408 retained).
Molecular consequence: synonymous variant.
Genome position (GRCh38, 1-based): chr9:132,910,610, G>A on the plus strand (C>T on the coding strand, the complement: TSC1 is on the minus strand). VCF-style: chr9-132910610-G-A. GRCh37 (hg19) VCF-style: chr9-135785997-G-A.
Other names: c.1221C>T, p.His407= (NM_001162426.2); c.1071C>T, p.His357= (NM_001162427.2); c.861C>T, p.His287= (NM_001362177.2).
Identifiers: ClinVar variation 1105333 (VCV001105333.13), dbSNP rs781006583, ClinGen allele CA027350.

ClinVar aggregate classification (germline): Benign/Likely benign. Review status: criteria provided, multiple submitters, no conflicts (2 of 4 stars). 4 submissions from 4 submitters: Benign (1); Likely benign (3). Last evaluated 2025-09-03.

Conditions:
Hereditary cancer-predisposing syndrome. Also called: Hereditary neoplastic syndrome; Tumor predisposition; Neoplastic Syndromes, Hereditary; Hereditary Cancer Syndrome. Identifiers: Orphanet 140162, MedGen C0027672, MeSH D009386, MONDO:0015356.
Tuberous sclerosis 1 (TSC1). Identifiers: Orphanet 805, MedGen C1854465, MONDO:0008612, OMIM 191100.

Allele frequency attached by ClinVar (database versions not stated): gnomAD exomes 0.00001 and 0.00002; ExAC 0.00003.
gnomAD v4.1: 9 of 1,614,146 alleles (0.00056%); highest among the groups gnomAD compares: Non-Finnish European, 0.00076%; no homozygotes.

Submissions (4):

Labcorp Genetics (formerly Invitae), Labcorp
Classification: Likely benign for Tuberous sclerosis 1. Last evaluated: 2025-09-03. Review status: criteria provided, single submitter. Criteria: Invitae Variant Classification Sherloc (09022015). Collection method: clinical testing. Allele origin: germline.

Myriad Genetics, Inc.
Classification: Benign for Tuberous sclerosis 1. Last evaluated: 2025-04-09. Review status: criteria provided, single submitter. Criteria: Myriad Autosomal Dominant, Autosomal Recessive and X-Linked Classification Criteria (2023). Collection method: clinical testing. Allele origin: unknown.
Comment: This variant is considered benign. This variant is a silent/synonymous amino acid change and it is not expected to impact splicing.

Ambry Genetics
Classification: Likely benign for Hereditary cancer-predisposing syndrome. Last evaluated: 2022-02-27. Review status: criteria provided, single submitter. Criteria: Ambry Variant Classification Scheme 2023. Collection method: clinical testing. Allele origin: germline.

Sema4
Classification: Likely benign for Hereditary cancer-predisposing syndrome. Last evaluated: 2021-06-28. Review status: criteria provided, single submitter. Criteria: Sema4 Curation Guidelines. Collection method: curation. Allele origin: germline.